The following is an entry in ClinVar:

NM_032806.6(POMGNT2):c.1216G>T (p.Glu406Ter)

Gene: POMGNT2 (protein O-linked mannose N-acetylglucosaminyltransferase 2 (beta 1,4-); minus strand). Cytogenetic location: 3p22.1.
Variant type: single nucleotide variant.
Coding change: c.1216G>T on transcript NM_032806.6 (MANE Select); coding-DNA position 1216, G replaced by T.
Protein change: p.Glu406Ter; replaces glutamic acid 406 with a stop codon.
Molecular consequence: nonsense.
Genome position (GRCh38, 1-based): chr3:43,080,216, C>A on the plus strand (G>T on the coding strand, the complement: POMGNT2 is on the minus strand). VCF-style: chr3-43080216-C-A. GRCh37 (hg19) VCF-style: chr3-43121708-C-A.
Other names: short protein forms E406*.
Identifiers: ClinVar variation 419374 (VCV000419374.5), dbSNP rs780525490, ClinGen allele CA16617968.

ClinVar aggregate classification (germline): Likely pathogenic (1 of 4 stars; one submission).

Submission:

GeneDx
Classification: Likely pathogenic. Last evaluated: 2025-07-11. Review status: criteria provided, single submitter. Criteria: GeneDx Variant Classification Process June 2021. Collection method: clinical testing. Allele origin: germline. Affected: yes.
Comment: Nonsense variant predicted to result in protein truncation, as the last 175 amino acid(s) are lost, and other loss-of-function variants have been reported downstream in HGMD; Not observed at significant frequency in large population cohorts (gnomAD); Has not been previously published as pathogenic or benign to our knowledge